The following is an entry in ClinVar:

ClinVar aggregate classification (germline): Benign. Review status: criteria provided, single submitter (1 of 4 stars). 2 submissions from 2 submitters: Benign (1). 1 of the submissions does not count toward it. Last evaluated 2021-06-19.

Conditions:
Microvascular complications of diabetes, susceptibility to, 1. Identifiers: MedGen C2676832, MONDO:0011386, OMIM 603933.

Allele frequency attached by ClinVar (database versions not stated): TOPMed 0.66596; 1000 Genomes Project 30x 0.66927; 1000 Genomes Project 0.67392; gnomAD exomes 0.68369; gnomAD 0.69806.
gnomAD v4.1: 990,435 of 1,449,354 alleles (68%); highest among the groups gnomAD compares: South Asian, 73%; 339,475 homozygotes.

Submissions (2):

GeneDx
Classification: Benign. Last evaluated: 2021-06-19. Review status: criteria provided, single submitter. Criteria: GeneDx Variant Classification Process June 2021. Collection method: clinical testing. Allele origin: germline. Affected: yes.
Comment: This variant is associated with the following publications: (PMID: 27648002, 25992764, 23957473, 25328912, 22993299, 15338501, 11978667, 24205329, 23007030, 16142870, 19653005, 23353010, 10930302, 15963467)

OMIM
Classification: risk factor for MICROVASCULAR COMPLICATIONS OF DIABETES, SUSCEPTIBILITY TO, 1. Last evaluated: 2002-05-01. Review status: no assertion criteria provided. Collection method: literature only. Allele origin: germline. Not counted in ClinVar's aggregate classification.

Literature cited by the submitters: PubMed 11978667 (cited by OMIM).

NM_003376.6(VEGFA):c.-94C>G

Gene: VEGFA (vascular endothelial growth factor A; plus strand). Cytogenetic location: 6p21.1.
Variant type: single nucleotide variant.
Coding change: c.-94C>G on transcript NM_003376.6 (MANE Select); 94 bases upstream of the start codon, C replaced by G.
Molecular consequence: 5 prime UTR variant.
Genome position (GRCh38, 1-based): chr6:43,770,613, C>G. VCF-style: chr6-43770613-C-G. GRCh37 (hg19) VCF-style: chr6-43738350-C-G.
Other names: -634G-C, (rs2010963); c.-94C>G (NM_001025366.3, NM_001025367.3, NM_001025368.3 and 5 more transcripts); c.-634C>G (NM_001171623.2, NM_001171624.2, NM_001171625.2 and 7 more transcripts).
Identifiers: ClinVar variation 12223 (VCV000012223.6), dbSNP rs2010963, ClinGen allele CA121981.